The following is an entry in ClinVar:

NM_030912.3(TRIM8):c.1511A>G (p.His504Arg)

Gene: TRIM8 (tripartite motif containing 8; plus strand). Cytogenetic location: 10q24.32.
Variant type: single nucleotide variant.
Coding change: c.1511A>G on transcript NM_030912.3 (MANE Select); coding-DNA position 1511, A replaced by G.
Protein change: p.His504Arg; replaces histidine 504 with arginine.
Molecular consequence: missense variant. On other transcripts: non-coding transcript variant (1).
Genome position (GRCh38, 1-based): chr10:102,657,209, A>G. VCF-style: chr10-102657209-A-G. GRCh37 (hg19) VCF-style: chr10-104416966-A-G.
Other names: c.1415A>G, p.His472Arg (NM_001345950.1); short protein forms H504R, H472R.
Identifiers: ClinVar variation 2134116 (VCV002134116.4), dbSNP rs1384870798, ClinGen allele CA377932871.

ClinVar aggregate classification (germline): Uncertain significance (1 of 4 stars; one submission).

Allele frequency attached by ClinVar (database versions not stated): gnomAD 0.00001; TOPMed 0.00001.
gnomAD v4.1: 1 of 1,612,868 alleles (0.000062%); highest among the groups gnomAD compares: African/African-American, 0.0013%; no homozygotes.

Submission:

Labcorp Genetics (formerly Invitae), Labcorp
Classification: Uncertain significance. Last evaluated: 2022-10-24. Review status: criteria provided, single submitter. Criteria: Invitae Variant Classification Sherloc (09022015). Collection method: clinical testing. Allele origin: germline.
Comment: In summary, the available evidence is currently insufficient to determine the role of this variant in disease. Therefore, it has been classified as a Variant of Uncertain Significance. Algorithms developed to predict the effect of missense changes on protein structure and function are either unavailable or do not agree on the potential impact of this missense change (SIFT: "Tolerated"; PolyPhen-2: "Possibly Damaging"; Align-GVGD: "Class C0"). This variant has not been reported in the literature in individuals affected with TRIM8-related conditions. This sequence change replaces histidine, which is basic and polar, with arginine, which is basic and polar, at codon 504 of the TRIM8 protein (p.His504Arg). This variant is not present in population databases (gnomAD no frequency).